The following is an entry in ClinVar:

ClinVar aggregate classification (germline): Pathogenic (0 of 4 stars; one submission).

Conditions:
PPP1R12A-related disorder. Also called: PPP1R12A-related condition.

Submission:

PreventionGenetics, part of Exact Sciences
Classification: Pathogenic for PPP1R12A-related condition. Last evaluated: 2023-12-09. Review status: no assertion criteria provided. Collection method: clinical testing. Allele origin: germline.
Comment: The PPP1R12A c.2629delT variant is predicted to result in a frameshift and premature protein termination (p.Ser877Profs*38). To our knowledge, this variant has not been reported in the literature or in a large population database, indicating this variant is rare. Frameshift variants in PPP1R12A are expected to be pathogenic. This variant is interpreted as likely pathogenic.

NM_002480.3(PPP1R12A):c.2629del (p.Ser877fs)

Gene: PPP1R12A (protein phosphatase 1 regulatory subunit 12A; minus strand). Cytogenetic location: 12q21.2.
Variant type: Deletion.
Coding change: c.2629del on transcript NM_002480.3 (MANE Select); coding-DNA position 2629, one base deleted (T; older notation c.2629delT).
Protein change: p.Ser877fs; shifts the reading frame from serine 877.
Molecular consequence: frameshift variant.
Genome position (GRCh38, 1-based): chr12:79,793,883, A deleted on the plus strand (T on the coding strand, the reverse complement: PPP1R12A is on the minus strand). VCF-style (leftmost placement, unchanged base first): chr12-79793882-GA-G. GRCh37 (hg19) VCF-style: chr12-80187662-GA-G.
Other names: c.2629del, p.Ser877fs (NM_001143885.2, NM_001244990.2); c.2368del, p.Ser790fs (NM_001143886.2); c.2461del, p.Ser821fs (NM_001244992.1); short protein forms S790fs, S821fs, S877fs.
Identifiers: ClinVar variation 3042334 (VCV003042334.2), dbSNP rs2547891931, ClinGen allele CA2740092427.